The following is an entry in ClinVar:

ClinVar aggregate classification (germline): Uncertain significance (1 of 4 stars; one submission).

Conditions:
Epileptic encephalopathy. Identifiers: MedGen C0543888, HP:0200134.

Submission:

Labcorp Genetics (formerly Invitae), Labcorp
Classification: Uncertain significance for Epileptic encephalopathy. Last evaluated: 2019-06-28. Review status: criteria provided, single submitter. Criteria: Invitae Variant Classification Sherloc (09022015). Collection method: clinical testing. Allele origin: germline.
Comment: This sequence change falls in intron 100 of the RYR3 gene. It does not directly change the encoded amino acid sequence of the RYR3 protein, but it affects a nucleotide within the consensus splice site of the intron. This variant is not present in population databases (ExAC no frequency). This variant has not been reported in the literature in individuals with RYR3-related conditions. Nucleotide substitutions within the consensus splice site are a relatively common cause of aberrant splicing (PMID: 17576681, 9536098). Algorithms developed to predict the effect of sequence changes on RNA splicing suggest that this variant is not likely to affect RNA splicing, but this prediction has not been confirmed by published transcriptional studies. In summary, the available evidence is currently insufficient to determine the role of this variant in disease. Therefore, it has been classified as a Variant of Uncertain Significance.

Literature cited by the submitters: PubMed 17576681; PubMed 9536098.

NM_001036.6(RYR3):c.14299+4T>C

Genes: AVEN (apoptosis and caspase activation inhibitor; minus strand), RYR3 (ryanodine receptor 3; plus strand). Cytogenetic location: 15q14.
Variant type: single nucleotide variant.
Coding change: c.14299+4T>C on transcript NM_001036.6 (MANE Select); 4 bases into the intron after coding-DNA position 14299, T replaced by C.
Molecular consequence: intron variant.
Genome position (GRCh38, 1-based): chr15:33,859,735, T>C. VCF-style: chr15-33859735-T-C. GRCh37 (hg19) VCF-style: chr15-34151936-T-C.
Other names: c.14284+4T>C (NM_001243996.4).
Identifiers: ClinVar variation 951176 (VCV000951176.9), dbSNP rs747788382, ClinGen allele CA1139663809.